The following is an entry in ClinVar:

ClinVar aggregate classification (germline): Likely benign. Review status: criteria provided, multiple submitters, no conflicts (2 of 4 stars). 4 submissions from 4 submitters: Likely benign (3). 1 of the submissions does not count toward it. Last evaluated 2026-08-01.

Conditions:
PIK3CD-related disorder. Also called: PIK3CD-related condition.
Immunodeficiency 14 (IMD14A). Also called: IMMUNODEFICIENCY 14A WITH LYMPHOPROLIFERATION, AUTOSOMAL DOMINANT; ACTIVATED PI3K-DELTA SYNDROME 1; p110-DELTA-ACTIVATING MUTATION CAUSING SENESCENT T CELLS, LYMPHADENOPATHY, AND IMMUNODEFICIENCY; Activated PI3K Delta Syndrome Type 1 (APDS1). Identifiers: Orphanet 397596, Orphanet 693661, MedGen C5907821, MONDO:0014222, OMIM 615513.

Allele frequency attached by ClinVar (database versions not stated): TOPMed 0.00007; ESP Exome Variant Server 0.00008.
gnomAD v4.1: 79 of 1,611,002 alleles (0.0049%); highest among the groups gnomAD compares: Admixed American, 0.043%; 1 homozygote.

Submissions (4):

CeGaT Center for Human Genetics Tuebingen
Classification: Likely benign. Last evaluated: 2026-08-01. Review status: criteria provided, single submitter. Criteria: CeGaT Center For Human Genetics Tuebingen Variant Classification Criteria Version 2. Collection method: clinical testing. Allele origin: germline. Affected: yes. Observed: 1 variant allele.
Comment: PIK3CD: BP4, BP7

Women's Health and Genetics/Laboratory Corporation of America, LabCorp
Classification: Likely benign. Last evaluated: 2026-01-23. Review status: criteria provided, single submitter. Criteria: LabCorp Variant Classification Summary - May 2015. Collection method: clinical testing. Allele origin: germline.

Labcorp Genetics (formerly Invitae), Labcorp
Classification: Likely benign for Activated PI3K-delta syndrome. Last evaluated: 2026-01-06. Review status: criteria provided, single submitter. Criteria: Invitae Variant Classification Sherloc (09022015). Collection method: clinical testing. Allele origin: germline.

PreventionGenetics, part of Exact Sciences
Classification: Likely benign for PIK3CD-related condition. Last evaluated: 2019-05-13. Review status: no assertion criteria provided. Collection method: clinical testing. Allele origin: germline. Not counted in ClinVar's aggregate classification.
Comment: This variant is classified as likely benign based on ACMG/AMP sequence variant interpretation guidelines (Richards et al. 2015 PMID: 25741868, with internal and published modifications).

NM_005026.5(PIK3CD):c.639G>A (p.Pro213=)

Gene: PIK3CD (phosphatidylinositol-4,5-bisphosphate 3-kinase catalytic subunit delta; plus strand). Cytogenetic location: 1p36.22.
Variant type: single nucleotide variant.
Coding change: c.639G>A on transcript NM_005026.5 (MANE Select); coding-DNA position 639, G replaced by A.
Protein change: p.Pro213=; no amino-acid change (proline 213 retained).
Molecular consequence: synonymous variant.
Genome position (GRCh38, 1-based): chr1:9,716,478, G>A. VCF-style: chr1-9716478-G-A. GRCh37 (hg19) VCF-style: chr1-9776536-G-A.
Other names: c.639G>A (LRG_191t1); c.639G>A, p.Pro213= (NM_001350234.2, NM_001350235.1).
Identifiers: ClinVar variation 541091 (VCV000541091.15), dbSNP rs374739511, ClinGen allele CA576946.